The following is an entry in ClinVar:

ClinVar aggregate classification (germline): Pathogenic (1 of 4 stars; one submission).

Conditions:
Hypertrophic cardiomyopathy. Also called: HYPERTROPHIC MYOCARDIOPATHY. Identifiers: Orphanet 217569, MedGen C0007194, MeSH D002312, MONDO:0005045, HP:0001639.

Submission:

Labcorp Genetics (formerly Invitae), Labcorp
Classification: Pathogenic for Hypertrophic cardiomyopathy. Last evaluated: 2022-03-29. Review status: criteria provided, single submitter. Criteria: Invitae Variant Classification Sherloc (09022015). Collection method: clinical testing. Allele origin: germline.
Comment: For these reasons, this variant has been classified as Pathogenic. Algorithms developed to predict the effect of sequence changes on RNA splicing suggest that this variant may disrupt the consensus splice site. This variant has not been reported in the literature in individuals affected with MYBPC3-related conditions. This variant is not present in population databases (gnomAD no frequency). This sequence change creates a premature translational stop signal (p.Gly953Aspfs*127) in the MYBPC3 gene. It is expected to result in an absent or disrupted protein product. Loss-of-function variants in MYBPC3 are known to be pathogenic (PMID: 19574547).

Literature cited by the submitters: PubMed 19574547.

NM_000256.3(MYBPC3):c.2770_2857dup (p.Gly953fs)

Gene: MYBPC3 (myosin binding protein C3; minus strand). Cytogenetic location: 11p11.2.
Variant type: Duplication.
Coding change: c.2770_2857dup on transcript NM_000256.3 (MANE Select); coding-DNA positions 2770 to 2857, 88 bases duplicated.
Protein change: p.Gly953fs; shifts the reading frame from glycine 953.
Molecular consequence: frameshift variant.
Genome position (GRCh38, 1-based): chr11:47,335,090-47,335,177, 88 bases duplicated. GRCh37 (hg19): chr11:47,356,644-47,356,731.
Other names: short protein forms G953fs.
Identifiers: ClinVar variation 2118635 (VCV002118635.4), dbSNP rs2495744364, ClinGen allele CA2580084264.